The following is an entry in ClinVar:

ClinVar aggregate classification (germline): Uncertain significance. Review status: criteria provided, multiple submitters, no conflicts (2 of 4 stars). 3 submissions from 3 submitters: Uncertain significance (3). Last evaluated 2026-02-24.

Conditions:
Cardiovascular phenotype. Identifiers: MedGen CN230736.
Dilated cardiomyopathy 1W (CMD1W). Identifiers: Orphanet 154, MedGen C1969639, MONDO:0012667, OMIM 611407.

Allele frequency attached by ClinVar (database versions not stated): gnomAD exomes below 0.00001 and 0.00001; gnomAD 0.00001; TOPMed 0.00002.

Submissions (3):

GeneDx
Classification: Uncertain significance. Last evaluated: 2026-02-24. Review status: criteria provided, single submitter. Criteria: GeneDx Variant Classification Process June 2021. Collection method: clinical testing. Allele origin: germline.
Comment: Not observed at significant frequency in large population cohorts (gnomAD); In silico analysis supports that this missense variant has a deleterious effect on protein structure/function; Has not been previously published as pathogenic or benign to our knowledge

Ambry Genetics
Classification: Uncertain significance for Cardiovascular phenotype. Last evaluated: 2026-01-08. Review status: criteria provided, single submitter. Criteria: Ambry Variant Classification Scheme 2023. Collection method: clinical testing. Allele origin: germline.
Comment: The p.R538W variant (also known as c.1612C>T), located in coding exon 12 of the VCL gene, results from a C to T substitution at nucleotide position 1612. The arginine at codon 538 is replaced by tryptophan, an amino acid with dissimilar properties. This amino acid position is highly conserved in available vertebrate species. In addition, the in silico prediction for this alteration is inconclusive. Based on the available evidence, the clinical significance of this variant remains unclear.

Labcorp Genetics (formerly Invitae), Labcorp
Classification: Uncertain significance for Dilated cardiomyopathy 1W. Last evaluated: 2025-11-21. Review status: criteria provided, single submitter. Criteria: Invitae Variant Classification Sherloc (09022015). Collection method: clinical testing. Allele origin: germline.
Comment: This sequence change replaces arginine, which is basic and polar, with tryptophan, which is neutral and slightly polar, at codon 538 of the VCL protein (p.Arg538Trp). This variant is present in population databases (no rsID available, gnomAD 0.003%). This variant has not been reported in the literature in individuals affected with VCL-related conditions. ClinVar contains an entry for this variant (Variation ID: 648107). An algorithm developed to predict the effect of missense changes on protein structure and function (PolyPhen-2) suggests that this variant is likely to be disruptive. In summary, the available evidence is currently insufficient to determine the role of this variant in disease. Therefore, it has been classified as a Variant of Uncertain Significance.

NM_014000.3(VCL):c.1612C>T (p.Arg538Trp)

Gene: VCL (vinculin; plus strand). Cytogenetic location: 10q22.2.
Variant type: single nucleotide variant.
Coding change: c.1612C>T on transcript NM_014000.3 (MANE Select); coding-DNA position 1612, C replaced by T.
Protein change: p.Arg538Trp; replaces arginine 538 with tryptophan.
Molecular consequence: missense variant.
Genome position (GRCh38, 1-based): chr10:74,095,724, C>T. VCF-style: chr10-74095724-C-T. GRCh37 (hg19) VCF-style: chr10-75855482-C-T.
Other names: c.1612C>T, p.Arg538Trp (NM_003373.4); short protein forms R538W.
Identifiers: ClinVar variation 648107 (VCV000648107.11), dbSNP rs1371212023, ClinGen allele CA377274504.